The following is an entry in ClinVar:

NM_001367624.2(ZNF469):c.2029G>C (p.Gly677Arg)

Gene: ZNF469 (zinc finger protein 469; plus strand). Cytogenetic location: 16q24.2.
Variant type: single nucleotide variant.
Coding change: c.2029G>C on transcript NM_001367624.2 (MANE Select); coding-DNA position 2029, G replaced by C.
Protein change: p.Gly677Arg; replaces glycine 677 with arginine.
Molecular consequence: missense variant.
Genome position (GRCh38, 1-based): chr16:88,429,499, G>C. VCF-style: chr16-88429499-G-C. GRCh37 (hg19) VCF-style: chr16-88495907-G-C.
Other names: NM_001127464.1:c.2029G>C; short protein forms G677R.
Identifiers: ClinVar variation 3232765 (VCV003232765.2), dbSNP rs1245325065, ClinGen allele CA397069598.

ClinVar aggregate classification (germline): Uncertain significance. Review status: criteria provided, multiple submitters, no conflicts (2 of 4 stars). 2 submissions from 2 submitters: Uncertain significance (2). Last evaluated 2026-01-27.

Conditions:
Cardiovascular phenotype. Identifiers: MedGen CN230736.

Allele frequency attached by ClinVar (database versions not stated): gnomAD 0.00001; gnomAD exomes below 0.00001; TOPMed below 0.00001.
gnomAD v4.1: 5 of 1,549,984 alleles (0.00032%); highest among the groups gnomAD compares: Non-Finnish European, 0.00035%; no homozygotes.

Submissions (2):

Labcorp Genetics (formerly Invitae), Labcorp
Classification: Uncertain significance. Last evaluated: 2026-01-27. Review status: criteria provided, single submitter. Criteria: Invitae Variant Classification Sherloc (09022015). Collection method: clinical testing. Allele origin: germline.
Comment: This sequence change replaces glycine, which is neutral and non-polar, with arginine, which is basic and polar, at codon 677 of the ZNF469 protein (p.Gly677Arg). This variant is not present in population databases (gnomAD no frequency). This variant has not been reported in the literature in individuals affected with ZNF469-related conditions. ClinVar contains an entry for this variant (Variation ID: 3232765). An algorithm developed to predict the effect of missense changes on protein structure and function (PolyPhen-2) suggests that this variant is likely to be disruptive. Algorithms developed to predict the effect of sequence changes on RNA splicing suggest that this variant may create or strengthen a splice site. In summary, the available evidence is currently insufficient to determine the role of this variant in disease. Therefore, it has been classified as a Variant of Uncertain Significance.

Ambry Genetics
Classification: Uncertain significance for Cardiovascular phenotype. Last evaluated: 2024-02-09. Review status: criteria provided, single submitter. Criteria: Ambry Variant Classification Scheme 2023. Collection method: clinical testing. Allele origin: germline.
Comment: The p.G677R variant (also known as c.2029G>C), located in coding exon 1 of the ZNF469 gene, results from a G to C substitution at nucleotide position 2029. The glycine at codon 677 is replaced by arginine, an amino acid with dissimilar properties. This amino acid position is conserved. In addition, this alteration is predicted to be tolerated by in silico analysis. Based on the available evidence, the clinical significance of this alteration remains unclear.